The following is an entry in ClinVar:

NM_015295.3(SMCHD1):c.4696G>A (p.Val1566Met)

Gene: SMCHD1 (structural maintenance of chromosomes flexible hinge domain containing 1; plus strand). Cytogenetic location: 18p11.32.
Variant type: single nucleotide variant.
Coding change: c.4696G>A on transcript NM_015295.3 (MANE Select); coding-DNA position 4696, G replaced by A.
Protein change: p.Val1566Met; replaces valine 1566 with methionine.
Molecular consequence: missense variant.
Genome position (GRCh38, 1-based): chr18:2,763,766, G>A. VCF-style: chr18-2763766-G-A. GRCh37 (hg19) VCF-style: chr18-2763764-G-A.
Other names: short protein forms V1566M.
Identifiers: ClinVar variation 594526 (VCV000594526.18), dbSNP rs569043880, ClinGen allele CA8871546.

ClinVar aggregate classification (germline): Conflicting classifications of pathogenicity. Review status: criteria provided, conflicting classifications (1 of 4 stars). 4 submissions from 4 submitters: Uncertain significance (3); Likely benign (1). Last evaluated 2025-12-08.

Conditions:
Facioscapulohumeral muscular dystrophy 2 (FSHD2). Also called: FACIOSCAPULOHUMERAL MUSCULAR DYSTROPHY 2, DIGENIC; FSHD2, DIGENIC; MUSCULAR DYSTROPHY, FACIOSCAPULOHUMERAL, TYPE 1B. Identifiers: Orphanet 269, MedGen C1834671, MONDO:0008031, OMIM 158901.

Allele frequency attached by ClinVar (database versions not stated): TOPMed 0.00002; 1000 Genomes Project 30x 0.00016; 1000 Genomes Project 0.00020; gnomAD exomes 0.00021; ExAC 0.00027.
gnomAD v4.1: 209 of 1,608,392 alleles (0.013%); highest among the groups gnomAD compares: South Asian, 0.21%; 1 homozygote.

Submissions (4):

Labcorp Genetics (formerly Invitae), Labcorp
Classification: Uncertain significance for Facioscapulohumeral muscular dystrophy 2. Last evaluated: 2025-12-08. Review status: criteria provided, single submitter. Criteria: Invitae Variant Classification Sherloc (09022015). Collection method: clinical testing. Allele origin: germline.
Comment: This sequence change replaces valine, which is neutral and non-polar, with methionine, which is neutral and non-polar, at codon 1566 of the SMCHD1 protein (p.Val1566Met). This variant is present in population databases (rs569043880, gnomAD 0.2%), and has an allele count higher than expected for a pathogenic variant. This variant has not been reported in the literature in individuals affected with SMCHD1-related conditions. ClinVar contains an entry for this variant (Variation ID: 594526). Invitae Evidence Modeling of protein sequence and biophysical properties (such as structural, functional, and spatial information, amino acid conservation, physicochemical variation, residue mobility, and thermodynamic stability) indicates that this missense variant is not expected to disrupt SMCHD1 protein function with a negative predictive value of 80%. In summary, the available evidence is currently insufficient to determine the role of this variant in disease. Therefore, it has been classified as a Variant of Uncertain Significance.

Blueprint Genetics
Classification: Likely benign. Last evaluated: 2024-04-09. Review status: criteria provided, single submitter. Criteria: ACMG Guidelines, 2015. Collection method: clinical testing. Allele origin: germline.

Revvity Omics, Revvity
Classification: Uncertain significance. Last evaluated: 2022-01-24. Review status: criteria provided, single submitter. Criteria: ACMG Guidelines, 2015. Collection method: clinical testing. Allele origin: germline.

Eurofins Ntd Llc (ga)
Classification: Uncertain significance. Last evaluated: 2017-10-13. Review status: criteria provided, single submitter. Criteria: EGL Classification Definitions 2015. Collection method: clinical testing. Allele origin: germline. Observed: 1 variant allele, 1 heterozygote.